The following is an entry in ClinVar:

ClinVar aggregate classification (germline): Likely pathogenic (1 of 4 stars; one submission).

Submission:

Dasa
Classification: Likely pathogenic. Last evaluated: 2026-04-25. Review status: criteria provided, single submitter. Criteria: DASA Assertion Criteria. Collection method: clinical testing. Allele origin: germline.
Comment: NM_002894.3(RBBP8):c.370del (p.Arg124Glyfs*42) is a frameshift variant in RBBP8 predicted to alter the reading frame and introduce a premature termination codon and is predicted to result in an absent or altered protein product. Loss of function is an established disease mechanism for RBBP8-associated disorders. Also, this variant is rare in population databases. Based on the currently available evidence, this variant is classified as likely pathogenic.

NM_002894.3(RBBP8):c.370del (p.Arg124fs)

Gene: RBBP8 (RB binding protein 8, endonuclease; plus strand). Cytogenetic location: 18q11.2.
Variant type: Deletion.
Coding change: c.370del on transcript NM_002894.3 (MANE Select); coding-DNA position 370, one base deleted (A; older notation c.370delA).
Protein change: p.Arg124fs; shifts the reading frame from arginine 124.
Molecular consequence: frameshift variant.
Genome position (GRCh38, 1-based): chr18:22,975,161, A deleted; the last of 3 consecutive A bases (chr18:22,975,159-22,975,161); deleting any one gives the same sequence. VCF-style (leftmost placement, unchanged base first): chr18-22975158-GA-G. GRCh37 (hg19) VCF-style: chr18-20555121-GA-G.
Other names: c.370del, p.Arg124fs (NM_203291.2, NM_203292.2); short protein forms R124fs.
Identifiers: ClinVar variation 4880641 (VCV004880641.2).
Genomic context (GRCh38, chr18:22,975,158, plus strand): 5'-ACATAGATGTTAATATAAATATATTATTTGCCTTCTTTTTCACATTGTTTTTAAGTGAAT[GA>G]AAGGAATACTCTACAGGAAGAAAATAAAAAGCTTTCTGAACAACTCCAGCAGAAAATTGA-3'